The following is an entry in ClinVar:

NM_015570.4(AUTS2):c.3617G>A (p.Gly1206Glu)

Gene: AUTS2 (activator of transcription and developmental regulator AUTS2; plus strand). Cytogenetic location: 7q11.22.
Variant type: single nucleotide variant.
Coding change: c.3617G>A on transcript NM_015570.4 (MANE Select); coding-DNA position 3617, G replaced by A.
Protein change: p.Gly1206Glu; replaces glycine 1206 with glutamic acid.
Molecular consequence: missense variant.
Genome position (GRCh38, 1-based): chr7:70,790,833, G>A. VCF-style: chr7-70790833-G-A. GRCh37 (hg19) VCF-style: chr7-70255819-G-A.
Other names: c.3545G>A, p.Gly1182Glu (NM_001127231.3); short protein forms G1182E, G1206E.
Identifiers: ClinVar variation 1676434 (VCV001676434.6), dbSNP rs1159680916, ClinGen allele CA367666575.

ClinVar aggregate classification (germline): Uncertain significance. Review status: criteria provided, multiple submitters, no conflicts (2 of 4 stars). 3 submissions from 3 submitters: Uncertain significance (3). Last evaluated 2024-12-03.

Conditions:
Inborn genetic diseases. Identifiers: MedGen C0950123, MeSH D030342.

gnomAD v4.1: 2 of 1,607,164 alleles (0.00012%); highest among the groups gnomAD compares: Admixed American, 0.0034%; no homozygotes.

Submissions (3):

Ambry Genetics
Classification: Uncertain significance for Inborn genetic diseases. Last evaluated: 2024-12-03. Review status: criteria provided, single submitter. Criteria: Ambry Variant Classification Scheme 2023. Collection method: clinical testing. Allele origin: germline.

Labcorp Genetics (formerly Invitae), Labcorp
Classification: Uncertain significance. Last evaluated: 2024-06-03. Review status: criteria provided, single submitter. Criteria: Invitae Variant Classification Sherloc (09022015). Collection method: clinical testing. Allele origin: germline.
Comment: This sequence change replaces glycine, which is neutral and non-polar, with glutamic acid, which is acidic and polar, at codon 1206 of the AUTS2 protein (p.Gly1206Glu). This variant is present in population databases (no rsID available, gnomAD 0.003%). This variant has not been reported in the literature in individuals affected with AUTS2-related conditions. ClinVar contains an entry for this variant (Variation ID: 1676434). Advanced modeling of protein sequence and biophysical properties (such as structural, functional, and spatial information, amino acid conservation, physicochemical variation, residue mobility, and thermodynamic stability) performed at Invitae indicates that this missense variant is expected to disrupt AUTS2 protein function with a positive predictive value of 80%. In summary, the available evidence is currently insufficient to determine the role of this variant in disease. Therefore, it has been classified as a Variant of Uncertain Significance.

GeneDx
Classification: Uncertain significance. Last evaluated: 2022-03-23. Review status: criteria provided, single submitter. Criteria: GeneDx Variant Classification Process June 2021. Collection method: clinical testing. Allele origin: germline. Affected: yes.
Comment: In silico analysis supports that this missense variant has a deleterious effect on protein structure/function; Missense variant in a gene in which most reported pathogenic variants are truncating/loss-of-function; Has not been previously published as pathogenic or benign to our knowledge